The following is an entry in ClinVar:

ClinVar aggregate classification (germline): Pathogenic (1 of 4 stars; one submission).

Conditions:
Inborn genetic diseases. Identifiers: MedGen C0950123, MeSH D030342.

Submission:

Ambry Genetics
Classification: Pathogenic for Inborn genetic diseases. Last evaluated: 2015-01-23. Review status: criteria provided, single submitter. Criteria: Ambry Variant Classification Scheme 2023. Collection method: clinical testing. Allele origin: germline.
Comment: The c.732_733dupCA pathogenic mutation, located in coding exon 4 of the SERPING1 gene, results from a duplication of CA at nucleotide position 732, causing a translational frameshift with a predicted alternate stop codon. Since frameshifts are typically deleterious in nature, this alteration is interpreted as a disease-causing mutation (ACMG Recommendations for Standards for Interpretation and Reporting of Sequence Variations. Revision 2007. Genet Med. 2008;10:294).

NM_000062.3(SERPING1):c.732_733dup (p.Ser245fs)

Gene: SERPING1 (serpin family G member 1; plus strand). Cytogenetic location: 11q12.1.
Variant type: Duplication.
Coding change: c.732_733dup on transcript NM_000062.3 (MANE Select); coding-DNA positions 732 to 733, 2 bases duplicated (CA; older notation c.732_733dupCA).
Protein change: p.Ser245fs; shifts the reading frame from serine 245.
Molecular consequence: frameshift variant.
Genome position (GRCh38, 1-based): chr11:57,606,056-57,606,057, CA duplicated; duplicating any 2 consecutive bases within chr11:57,606,055-57,606,057 gives the same sequence; the c. name uses the placement nearest the transcript's 3' end. VCF-style (leftmost placement, unchanged base first): chr11-57606054-T-TAC. GRCh37 (hg19) VCF-style: chr11-57373527-T-TAC.
Other names: c.732_733dup, p.Ser245fs (NM_001032295.2); c.732_733dupCA (NM_000062.2); short protein forms S245fs.
Identifiers: ClinVar variation 1758316 (VCV001758316.2), dbSNP rs2495440542, ClinGen allele CA2580084327.